The following is an entry in ClinVar:

ClinVar aggregate classification (germline): Pathogenic (1 of 4 stars; one submission).

Submission:

Labcorp Genetics (formerly Invitae), Labcorp
Classification: Pathogenic. Last evaluated: 2023-10-30. Review status: criteria provided, single submitter. Criteria: Invitae Variant Classification Sherloc (09022015). Collection method: clinical testing. Allele origin: germline.
Comment: This sequence change creates a premature translational stop signal (p.Tyr111*) in the RLBP1 gene. It is expected to result in an absent or disrupted protein product. Loss-of-function variants in RLBP1 are known to be pathogenic (PMID: 2392416, 11301032, 21447491, 25429852). This variant is not present in population databases (gnomAD no frequency). This premature translational stop signal has been observed in individual(s) with retinitis punctata albescens (PMID: 23929416). For these reasons, this variant has been classified as Pathogenic.

Literature cited by the submitters: PubMed 2392416; PubMed 11301032; PubMed 21447491; PubMed 25429852; PubMed 23929416.

NM_000326.5(RLBP1):c.333T>A (p.Tyr111Ter)

Gene: RLBP1 (retinaldehyde binding protein 1; minus strand). Cytogenetic location: 15q26.1.
Variant type: single nucleotide variant.
Coding change: c.333T>A on transcript NM_000326.5 (MANE Select); coding-DNA position 333, T replaced by A.
Protein change: p.Tyr111Ter; replaces tyrosine 111 with a stop codon.
Molecular consequence: nonsense.
Genome position (GRCh38, 1-based): chr15:89,217,133, A>T on the plus strand (T>A on the coding strand, the complement: RLBP1 is on the minus strand). VCF-style: chr15-89217133-A-T. GRCh37 (hg19) VCF-style: chr15-89760364-A-T.
Other names: short protein forms Y111*.
Identifiers: ClinVar variation 2831163 (VCV002831163.3), dbSNP rs766675673, ClinGen allele CA393730679.
Genomic context (GRCh38, chr15:89,217,133, plus strand): 5'-ATGGCCTCCCGTCTTCCCAGGGCCGTCCCTCCAAGCACTGGCCTCACCTCTGAGCAGCTC[A>T]TAGGCACGGCCCACGTTGAACTTCCGTGCGCGGATGAAGCGCAGGAAGAAGCCGCTGTCC-3'